The following is an entry in ClinVar:

NM_000500.9(CYP21A2):c.293-4G>A

Genes: CYP21A2 (cytochrome P450 family 21 subfamily A member 2; plus strand), LOC106780800 (CYP21A2 recombination region; plus strand). Cytogenetic location: 6p21.33.
Variant type: single nucleotide variant.
Coding change: c.293-4G>A on transcript NM_000500.9 (MANE Select); 4 bases into the intron before coding-DNA position 293, G replaced by A.
Molecular consequence: intron variant. On other transcripts: 5 prime UTR variant (2).
Genome position (GRCh38, 1-based): chr6:32,039,090, G>A. VCF-style: chr6-32039090-G-A. GRCh37 (hg19) VCF-style: chr6-32006867-G-A.
Other names: c.-117G>A (NM_001368143.2, NM_001368144.2); c.203-4G>A (NM_001128590.4).
Identifiers: ClinVar variation 256290 (VCV000256290.24), dbSNP rs147821751, ClinGen allele CA3732360.

ClinVar aggregate classification (germline): Likely benign. Review status: criteria provided, multiple submitters, no conflicts (2 of 4 stars). 8 submissions from 8 submitters: Likely benign (8). Last evaluated 2024-11-26.

Conditions:
21-Hydroxylase-Deficient Congenital Adrenal Hyperplasia. Also called: ADRENAL HYPERPLASIA, CONGENITAL, DUE TO 21-HYDROXYLASE DEFICIENCY; ADRENAL HYPERPLASIA III. Identifiers: MedGen C2936858, OMIM 201910.

Allele frequency attached by ClinVar (database versions not stated): 1000 Genomes Project 0.00220; 1000 Genomes Project 30x 0.00234; TOPMed 0.00314; gnomAD exomes 0.00329 and 0.00334; gnomAD 0.00339 and 0.00345; ExAC 0.00366; ESP Exome Variant Server 0.00377.

Submissions (8):

Blueprint Genetics
Classification: Likely benign. Last evaluated: 2024-11-26. Review status: criteria provided, single submitter. Criteria: ACMG Guidelines, 2015. Collection method: clinical testing. Allele origin: germline.

CeGaT Center for Human Genetics Tuebingen
Classification: Likely benign. Last evaluated: 2024-11-01. Review status: criteria provided, single submitter. Criteria: CeGaT Center For Human Genetics Tuebingen Variant Classification Criteria Version 2. Collection method: clinical testing. Allele origin: germline. Affected: yes. Observed: 2 variant alleles.
Comment: CYP21A2: BP4, BS2

Athena Diagnostics
Classification: Likely benign. Last evaluated: 2024-10-25. Review status: criteria provided, single submitter. Criteria: Athena Diagnostics Criteria. Collection method: clinical testing. Allele origin: unknown.

Quest Diagnostics Nichols Institute San Juan Capistrano
Classification: Likely benign. Last evaluated: 2023-07-28. Review status: criteria provided, single submitter. Criteria: Quest Diagnostics criteria. Collection method: clinical testing. Allele origin: unknown.

Newborn Screening Ontario, Children's Hospital of Eastern Ontario (CHEO)
Classification: Likely benign for 21-Hydroxylase-Deficient Congenital Adrenal Hyperplasia. Last evaluated: 2022-06-01. Review status: criteria provided, single submitter. Criteria: ACMG Guidelines, 2015. Collection method: clinical testing. Allele origin: germline. Inheritance: Autosomal recessive inheritance.

Eurofins Ntd Llc (ga)
Classification: Likely benign. Last evaluated: 2016-08-15. Review status: criteria provided, single submitter. Criteria: EGL Classification Definitions 2015. Collection method: clinical testing. Allele origin: germline. Observed: 1 variant allele, 1 heterozygote.

Breakthrough Genomics
Classification: Likely benign. Review status: criteria provided, single submitter. Criteria: ACMG Guidelines, 2015. Collection method: not provided. Allele origin: germline. Inheritance: Autosomal recessive inheritance. Affected: yes.

PreventionGenetics, part of Exact Sciences
Classification: Likely benign. Review status: criteria provided, single submitter. Criteria: ACMG Guidelines, 2015. Collection method: clinical testing. Allele origin: germline.

Literature cited by the submitters: PubMed 29266270 (cited by Athena Diagnostics and Quest Diagnostics Nichols Institute San Juan Capistrano); PubMed 31006099 (cited by Athena Diagnostics and Quest Diagnostics Nichols Institute San Juan Capistrano); PubMed 25227725 (cited by Athena Diagnostics and Quest Diagnostics Nichols Institute San Juan Capistrano); PubMed 28522871 (cited by Athena Diagnostics and Quest Diagnostics Nichols Institute San Juan Capistrano).